The following is an entry in ClinVar:

ClinVar aggregate classification (germline): Pathogenic/Likely pathogenic. Review status: criteria provided, multiple submitters, no conflicts (2 of 4 stars). 2 submissions from 2 submitters: Pathogenic (1); Likely pathogenic (1). Last evaluated 2023-02-10.

Conditions:
Inborn genetic diseases. Identifiers: MedGen C0950123, MeSH D030342.
Kleefstra syndrome 1 (KLEFS1). Identifiers: Orphanet 261494, MedGen C0795833, MONDO:0027407, OMIM 610253.

Submissions (2):

Ambry Genetics
Classification: Pathogenic for Inborn genetic diseases. Last evaluated: 2023-02-10. Review status: criteria provided, single submitter. Criteria: Ambry Variant Classification Scheme 2023. Collection method: clinical testing. Allele origin: germline.
Comment: The c.1311G>A (p.W437*) alteration, located in exon 8 (coding exon 8) of the EHMT1 gene, consists of a G to A substitution at nucleotide position 1311. This changes the amino acid from a tryptophan (W) to a stop codon at amino acid position 437. This alteration is expected to result in loss of function by premature protein truncation or nonsense-mediated mRNA decay. This variant was not reported in population-based cohorts in the Genome Aggregation Database (gnomAD). Based on the available evidence, this alteration is classified as pathogenic.

Centre for Mendelian Genomics, University Medical Centre Ljubljana
Classification: Likely pathogenic for Kleefstra syndrome 1. Last evaluated: 2018-12-12. Review status: criteria provided, single submitter. Criteria: ACMG Guidelines, 2015. Collection method: clinical testing. Allele origin: unknown. Affected: yes.
Comment: This variant was classified as: Likely pathogenic. The following ACMG criteria were applied in classifying this variant: PVS1,PM2.

NM_024757.5(EHMT1):c.1311G>A (p.Trp437Ter)

Gene: EHMT1 (euchromatic histone lysine methyltransferase 1; plus strand). Cytogenetic location: 9q34.3.
Variant type: single nucleotide variant.
Coding change: c.1311G>A on transcript NM_024757.5 (MANE Select); coding-DNA position 1311, G replaced by A.
Protein change: p.Trp437Ter; replaces tryptophan 437 with a stop codon.
Molecular consequence: nonsense.
Genome position (GRCh38, 1-based): chr9:137,754,233, G>A. VCF-style: chr9-137754233-G-A. GRCh37 (hg19) VCF-style: chr9-140648685-G-A.
Other names: c.1311G>A, p.Trp437Ter (NM_001145527.2, NM_001354611.2); c.1218G>A, p.Trp406Ter (NM_001354259.2, NM_001354612.2); c.1290G>A, p.Trp430Ter (NM_001354263.2); short protein forms W406*, W430*, W437*.
Identifiers: ClinVar variation 931976 (VCV000931976.5), dbSNP rs1949206105, ClinGen allele CA375763317.